The following is an entry in ClinVar:

ClinVar aggregate classification (germline): Uncertain significance (1 of 4 stars; one submission).

Conditions:
Early-infantile DEE. Also called: Early infantile epileptic encephalopathy; Ohtahara syndrome; Early infantile epileptic encephalopathy with suppression bursts. Identifiers: Orphanet 1934, MedGen C0393706, MONDO:0800491.

Submission:

Labcorp Genetics (formerly Invitae), Labcorp
Classification: Uncertain significance for Early-infantile DEE. Last evaluated: 2024-08-27. Review status: criteria provided, single submitter. Criteria: Invitae Variant Classification Sherloc (09022015). Collection method: clinical testing. Allele origin: germline.
Comment: This sequence change replaces aspartic acid, which is acidic and polar, with asparagine, which is neutral and polar, at codon 921 of the SPTAN1 protein (p.Asp921Asn). This variant is not present in population databases (gnomAD no frequency). This variant has not been reported in the literature in individuals affected with SPTAN1-related conditions. Invitae Evidence Modeling of protein sequence and biophysical properties (such as structural, functional, and spatial information, amino acid conservation, physicochemical variation, residue mobility, and thermodynamic stability) has been performed for this missense variant. However, the output from this modeling did not meet the statistical confidence thresholds required to predict the impact of this variant on SPTAN1 protein function. In summary, the available evidence is currently insufficient to determine the role of this variant in disease. Therefore, it has been classified as a Variant of Uncertain Significance.

NM_001130438.3(SPTAN1):c.2761G>A (p.Asp921Asn)

Gene: SPTAN1 (spectrin alpha, non-erythrocytic 1; plus strand). Cytogenetic location: 9q34.11.
Variant type: single nucleotide variant.
Coding change: c.2761G>A on transcript NM_001130438.3 (MANE Select); coding-DNA position 2761, G replaced by A.
Protein change: p.Asp921Asn; replaces aspartic acid 921 with asparagine.
Molecular consequence: missense variant.
Genome position (GRCh38, 1-based): chr9:128,585,948, G>A. VCF-style: chr9-128585948-G-A. GRCh37 (hg19) VCF-style: chr9-131348227-G-A.
Other names: c.2761G>A, p.Asp921Asn (NM_001375313.1, NM_001375314.2, NM_003127.4 and 5 more transcripts); c.2797G>A, p.Asp933Asn (NM_001375318.1, NM_001375312.2); short protein forms D933N, D921N.
Identifiers: ClinVar variation 3635907 (VCV003635907.2).